The following is an entry in ClinVar:

ClinVar aggregate classification (germline): Likely pathogenic (1 of 4 stars; one submission).

Conditions:
Developmental and epileptic encephalopathy 94 (DEE94). Also called: CHD2-Related Neurodevelopmental Disorders; Epileptic encephalopathy, childhood-onset. Identifiers: Orphanet 1942, Orphanet 2382, MedGen C3809278, MONDO:0014150, OMIM 615369.

Submission:

Labcorp Genetics (formerly Invitae), Labcorp
Classification: Likely pathogenic for Developmental and epileptic encephalopathy 94. Last evaluated: 2022-11-18. Review status: criteria provided, single submitter. Criteria: Invitae Variant Classification Sherloc (09022015). Collection method: clinical testing. Allele origin: germline.
Comment: In summary, the currently available evidence indicates that the variant is pathogenic, but additional data are needed to prove that conclusively. Therefore, this variant has been classified as Likely Pathogenic. Algorithms developed to predict the effect of sequence changes on RNA splicing suggest that this variant may disrupt the consensus splice site. This variant has not been reported in the literature in individuals affected with CHD2-related conditions. This variant is not present in population databases (gnomAD no frequency). This sequence change affects a donor splice site in intron 11 of the CHD2 gene. It is expected to disrupt RNA splicing. Variants that disrupt the donor or acceptor splice site typically lead to a loss of protein function (PMID: 16199547), and loss-of-function variants in CHD2 are known to be pathogenic (PMID: 23708187, 24207121).

Literature cited by the submitters: PubMed 16199547; PubMed 23708187; PubMed 24207121.

NM_001271.4(CHD2):c.1198+2T>C

Gene: CHD2 (chromodomain helicase DNA binding protein 2; plus strand). Cytogenetic location: 15q26.1.
Variant type: single nucleotide variant.
Coding change: c.1198+2T>C on transcript NM_001271.4 (MANE Select); the canonical splice donor site of the intron after coding-DNA position 1198, T replaced by C.
Molecular consequence: splice donor variant.
Genome position (GRCh38, 1-based): chr15:92,945,867, T>C. VCF-style: chr15-92945867-T-C. GRCh37 (hg19) VCF-style: chr15-93489097-T-C.
Other names: c.1198+2T>C (NM_001042572.3).
Identifiers: ClinVar variation 2000008 (VCV002000008.4), dbSNP rs2505457598, ClinGen allele CA393903584.